The following is an entry in ClinVar:

ClinVar aggregate classification (germline): Uncertain significance (1 of 4 stars; one submission).

Submission:

Labcorp Genetics (formerly Invitae), Labcorp
Classification: Uncertain significance. Last evaluated: 2024-02-21. Review status: criteria provided, single submitter. Criteria: Invitae Variant Classification Sherloc (09022015). Collection method: clinical testing. Allele origin: germline.
Comment: This sequence change replaces alanine, which is neutral and non-polar, with glutamic acid, which is acidic and polar, at codon 1754 of the CACNA1E protein (p.Ala1754Glu). This variant is not present in population databases (gnomAD no frequency). This variant has not been reported in the literature in individuals affected with CACNA1E-related conditions. Advanced modeling of protein sequence and biophysical properties (such as structural, functional, and spatial information, amino acid conservation, physicochemical variation, residue mobility, and thermodynamic stability) has been performed at Invitae for this missense variant, however the output from this modeling did not meet the statistical confidence thresholds required to predict the impact of this variant on CACNA1E protein function. In summary, the available evidence is currently insufficient to determine the role of this variant in disease. Therefore, it has been classified as a Variant of Uncertain Significance.

NM_001205293.3(CACNA1E):c.5261C>A (p.Ala1754Glu)

Gene: CACNA1E (calcium voltage-gated channel subunit alpha1 E; plus strand). Cytogenetic location: 1q25.3.
Variant type: single nucleotide variant.
Coding change: c.5261C>A on transcript NM_001205293.3 (MANE Select); coding-DNA position 5261, C replaced by A.
Protein change: p.Ala1754Glu; replaces alanine 1754 with glutamic acid.
Molecular consequence: missense variant.
Genome position (GRCh38, 1-based): chr1:181,776,222, C>A. VCF-style: chr1-181776222-C-A. GRCh37 (hg19) VCF-style: chr1-181745358-C-A.
Other names: c.5261C>A, p.Ala1754Glu (NM_000721.4); c.5204C>A, p.Ala1735Glu (NM_001205294.2); short protein forms A1754E, A1735E.
Identifiers: ClinVar variation 3633685 (VCV003633685.2).